The following is an entry in ClinVar:

NM_006236.3(POU3F3):c.82G>A (p.Gly28Arg)

Gene: POU3F3 (POU class 3 homeobox 3; plus strand). Cytogenetic location: 2q12.1.
Variant type: single nucleotide variant.
Coding change: c.82G>A on transcript NM_006236.3 (MANE Select); coding-DNA position 82, G replaced by A.
Protein change: p.Gly28Arg; replaces glycine 28 with arginine.
Molecular consequence: missense variant.
Genome position (GRCh38, 1-based): chr2:104,855,592, G>A. VCF-style: chr2-104855592-G-A. GRCh37 (hg19) VCF-style: chr2-105472050-G-A.
Other names: c.82G>A (NM_006236.1); short protein forms G28R.
Identifiers: ClinVar variation 2634531 (VCV002634531.2), dbSNP rs1262829833, ClinGen allele CA348095988.

ClinVar aggregate classification (germline): Uncertain significance. Review status: criteria provided, multiple submitters, no conflicts (2 of 4 stars). 2 submissions from 2 submitters: Uncertain significance (2). Last evaluated 2025-05-14.

Conditions:
POU3F3-related disorder. Also called: POU3F3-related condition.
Inborn genetic diseases. Identifiers: MedGen C0950123, MeSH D030342.

Submissions (2):

Ambry Genetics
Classification: Uncertain significance for Inborn genetic diseases. Last evaluated: 2025-05-14. Review status: criteria provided, single submitter. Criteria: Ambry Variant Classification Scheme 2023. Collection method: clinical testing. Allele origin: germline.

PreventionGenetics, part of Exact Sciences
Classification: Uncertain significance for POU3F3-related condition. Last evaluated: 2023-02-15. Review status: criteria provided, single submitter. Criteria: ACMG Guidelines, 2015. Collection method: clinical testing. Allele origin: germline.
Comment: The POU3F3 c.82G>A variant is predicted to result in the amino acid substitution p.Gly28Arg. To our knowledge, this variant has not been reported in the literature or in a large population database, indicating this variant is rare. At this time, the clinical significance of this variant is uncertain due to the absence of conclusive functional and genetic evidence.